The following is an entry in ClinVar:

ClinVar aggregate classification (germline): Likely benign. Review status: criteria provided, multiple submitters, no conflicts (2 of 4 stars). 2 submissions from 2 submitters: Likely benign (2). Last evaluated 2025-08-04.

Conditions:
Adenylosuccinate lyase deficiency (ADSLD). Also called: ADSL DEFICIENCY. Identifiers: Orphanet 46, MedGen C0268126, MONDO:0007068, OMIM 103050.

Allele frequency attached by ClinVar (database versions not stated): gnomAD 0.00002; TOPMed 0.00002; gnomAD exomes 0.00003 and 0.00004; ExAC 0.00005; ESP Exome Variant Server 0.00008.
gnomAD v4.1: 59 of 1,612,550 alleles (0.0037%); highest among the groups gnomAD compares: Non-Finnish European, 0.0049%; no homozygotes.

Submissions (2):

Labcorp Genetics (formerly Invitae), Labcorp
Classification: Likely benign for Adenylosuccinate lyase deficiency. Last evaluated: 2025-08-04. Review status: criteria provided, single submitter. Criteria: Invitae Variant Classification Sherloc (09022015). Collection method: clinical testing. Allele origin: germline.

GeneDx
Classification: Likely benign. Last evaluated: 2016-05-13. Review status: criteria provided, single submitter. Criteria: GeneDx Variant Classification (06012015). Collection method: clinical testing. Allele origin: germline. Affected: yes.
Comment: This variant is considered likely benign or benign based on one or more of the following criteria: it is a conservative change, it occurs at a poorly conserved position in the protein, it is predicted to be benign by multiple in silico algorithms, and/or has population frequency not consistent with disease.

NM_000026.4(ADSL):c.114A>G (p.Thr38=)

Gene: ADSL (adenylosuccinate lyase; plus strand). Cytogenetic location: 22q13.1.
Variant type: single nucleotide variant.
Coding change: c.114A>G on transcript NM_000026.4 (MANE Select); coding-DNA position 114, A replaced by G.
Protein change: p.Thr38=; no amino-acid change (threonine 38 retained).
Molecular consequence: synonymous variant. On other transcripts: non-coding transcript variant (1), intron variant (1).
Genome position (GRCh38, 1-based): chr22:40,346,672, A>G. VCF-style: chr22-40346672-A-G. GRCh37 (hg19) VCF-style: chr22-40742676-A-G.
Other names: c.114A>G, p.Thr38= (NM_001123378.3, NM_001363840.3); c.-40+16A>G (NM_001317923.2).
Identifiers: ClinVar variation 386169 (VCV000386169.9), dbSNP rs377588571, ClinGen allele CA10247607.